The following is an entry in ClinVar:

NM_001377458.1(CLCC1):c.1218dup (p.Thr407fs)

Gene: CLCC1 (chloride channel CLIC like 1; minus strand). Cytogenetic location: 1p13.3.
Variant type: Duplication.
Coding change: c.1218dup on transcript NM_001377458.1 (MANE Select); coding-DNA position 1218, one base duplicated (C; older notation c.1218dupC).
Protein change: p.Thr407fs; shifts the reading frame from threonine 407.
Molecular consequence: frameshift variant. On other transcripts: non-coding transcript variant (1).
Genome position (GRCh38, 1-based): chr1:108,937,242, G duplicated on the plus strand (C on the coding strand, the reverse complement: CLCC1 is on the minus strand); the first of 4 consecutive G bases (chr1:108,937,242-108,937,245); duplicating any one gives the same sequence. VCF-style (leftmost placement, unchanged base first): chr1-108937241-T-TG. GRCh37 (hg19) VCF-style: chr1-109479863-T-TG.
Other names: c.1218dup, p.Thr407fs (NM_001048210.3, NM_001377459.1, NM_001377460.1 and 8 more transcripts); c.855dup, p.Thr286fs (NM_001278202.2); c.663dup, p.Thr222fs (NM_001278203.1); c.1116dup, p.Thr373fs (NM_001377469.1); c.927dup, p.Thr310fs (NM_001377470.1); c.1068dup, p.Thr357fs (NM_015127.5); short protein forms T310fs, T373fs, T407fs, T222fs, T357fs, T286fs.
Identifiers: ClinVar variation 1446531 (VCV001446531.6), dbSNP rs1653151596, ClinGen allele CA1005592237.

ClinVar aggregate classification (germline): Uncertain significance (1 of 4 stars; one submission).

Submission:

Labcorp Genetics (formerly Invitae), Labcorp
Classification: Uncertain significance. Last evaluated: 2022-06-13. Review status: criteria provided, single submitter. Criteria: Invitae Variant Classification Sherloc (09022015). Collection method: clinical testing. Allele origin: germline.
Comment: In summary, the available evidence is currently insufficient to determine the role of this variant in disease. Therefore, it has been classified as a Variant of Uncertain Significance. This variant has not been reported in the literature in individuals affected with CLCC1-related conditions. This variant is not present in population databases (gnomAD no frequency). This sequence change creates a premature translational stop signal (p.Thr407Hisfs*2) in the CLCC1 gene. It is expected to result in an absent or disrupted protein product. However, the current clinical and genetic evidence is not sufficient to establish whether loss-of-function variants in CLCC1 cause disease.